The following is an entry in ClinVar:

NM_000836.4(GRIN2D):c.1576G>C (p.Gly526Arg)

Gene: GRIN2D (glutamate ionotropic receptor NMDA type subunit 2D; plus strand). Cytogenetic location: 19q13.33.
Variant type: single nucleotide variant.
Coding change: c.1576G>C on transcript NM_000836.4 (MANE Select); coding-DNA position 1576, G replaced by C.
Protein change: p.Gly526Arg; replaces glycine 526 with arginine.
Molecular consequence: missense variant.
Genome position (GRCh38, 1-based): chr19:48,415,027, G>C. VCF-style: chr19-48415027-G-C. GRCh37 (hg19) VCF-style: chr19-48918284-G-C.
Other names: short protein forms G526R.
Identifiers: ClinVar variation 2745465 (VCV002745465.3), dbSNP rs2513671932, ClinGen allele CA406695910.
Genomic context (GRCh38, chr19:48,415,027, plus strand): 5'-TACCTGGTCACCAATGGCAAGCACGGAAAGAAGATCGATGGCGTCTGGAACGGCATGATC[G>C]GGGAGGTGAGGGGGCGGACGGGAGGCGGGGAATCTTCGGGGCGGAGTCGAGAGGCGGGCA-3'
Protein context (NP_000827.2, residues 516-536): KIDGVWNGMI[Gly526Arg]EVFYQRADMA

ClinVar aggregate classification (germline): Uncertain significance (1 of 4 stars; one submission).

gnomAD v4.1: 1 of 1,583,948 alleles (0.000063%); highest among the groups gnomAD compares: Non-Finnish European, 0.000086%; no homozygotes.

Submission:

Labcorp Genetics (formerly Invitae), Labcorp
Classification: Uncertain significance. Last evaluated: 2023-07-20. Review status: criteria provided, single submitter. Criteria: Invitae Variant Classification Sherloc (09022015). Collection method: clinical testing. Allele origin: germline.
Comment: This sequence change replaces glycine, which is neutral and non-polar, with arginine, which is basic and polar, at codon 526 of the GRIN2D protein (p.Gly526Arg). This variant is not present in population databases (gnomAD no frequency). This variant has not been reported in the literature in individuals affected with GRIN2D-related conditions. Advanced modeling of protein sequence and biophysical properties (such as structural, functional, and spatial information, amino acid conservation, physicochemical variation, residue mobility, and thermodynamic stability) performed at Invitae indicates that this missense variant is not expected to disrupt GRIN2D protein function. In summary, the available evidence is currently insufficient to determine the role of this variant in disease. Therefore, it has been classified as a Variant of Uncertain Significance.